The following is an entry in ClinVar:

ClinVar aggregate classification (germline): Uncertain significance. Review status: criteria provided, multiple submitters, no conflicts (2 of 4 stars). 2 submissions from 2 submitters: Uncertain significance (2). Last evaluated 2025-05-30.

Conditions:
Drash syndrome (DDS). Also called: NEPHROPATHY, WILMS TUMOR, AND GENITAL ANOMALIES; WILMS TUMOR AND PSEUDO- OR TRUE HERMAPHRODITISM. Identifiers: Orphanet 220, MedGen C0950121, MONDO:0008682, OMIM 194080.
Wilms tumor 1 (WT1). Also called: Wilms tumor, somatic. Identifiers: Orphanet 654, MedGen CN033288, MONDO:0008679, OMIM 194070.
11p partial monosomy syndrome (WAGR). Also called: WAGR Spectrum Disorder; CHROMOSOME 11p13 DELETION SYNDROME; WAGR syndrome; WAGR Complex. Identifiers: Orphanet 893, MedGen C0206115, MONDO:0008681, OMIM 194072.
Frasier syndrome. Identifiers: Orphanet 347, MedGen C0950122, MeSH D052159, MONDO:0007635, OMIM 136680.

Submissions (2):

Color Diagnostics, LLC DBA Color Health
Classification: Uncertain significance for Wilms tumor 1. Last evaluated: 2025-05-30. Review status: criteria provided, single submitter. Criteria: ACMG Guidelines, 2015. Collection method: clinical testing. Allele origin: germline.
Comment: This missense variant replaces aspartic acid with asparagine at codon 342 of the WT1 protein. Computational prediction suggests that this variant may not impact protein structure and function. To our knowledge, functional studies have not been reported for this variant. This variant has not been reported in individuals affected with WT1-related disorders in the literature. This variant has not been identified in the general population by the Genome Aggregation Database (gnomAD). The available evidence is insufficient to determine the role of this variant in disease conclusively. Therefore, this variant is classified as a Variant of Uncertain Significance.

Labcorp Genetics (formerly Invitae), Labcorp
Classification: Uncertain significance for Wilms tumor 1; Drash syndrome; 11p partial monosomy syndrome; Frasier syndrome. Last evaluated: 2023-11-28. Review status: criteria provided, single submitter. Criteria: Invitae Variant Classification Sherloc (09022015). Collection method: clinical testing. Allele origin: germline.
Comment: This sequence change replaces aspartic acid, which is acidic and polar, with asparagine, which is neutral and polar, at codon 342 of the WT1 protein (p.Asp342Asn). This variant is not present in population databases (gnomAD no frequency). This variant has not been reported in the literature in individuals affected with WT1-related conditions. ClinVar contains an entry for this variant (Variation ID: 78337). An algorithm developed to predict the effect of missense changes on protein structure and function (PolyPhen-2) suggests that this variant is likely to be disruptive. In summary, the available evidence is currently insufficient to determine the role of this variant in disease. Therefore, it has been classified as a Variant of Uncertain Significance.

NM_024426.6(WT1):c.1039G>A (p.Asp347Asn)

Gene: WT1 (WT1 transcription factor; minus strand). Cytogenetic location: 11p13.
Variant type: single nucleotide variant.
Coding change: c.1039G>A on transcript NM_024426.6 (MANE Select); coding-DNA position 1039, G replaced by A.
Protein change: p.Asp347Asn; replaces aspartic acid 347 with asparagine.
Molecular consequence: missense variant. On other transcripts: 5 prime UTR variant (1), non-coding transcript variant (1).
Genome position (GRCh38, 1-based): chr11:32,400,022, C>T on the plus strand (G>A on the coding strand, the complement: WT1 is on the minus strand). VCF-style: chr11-32400022-C-T. GRCh37 (hg19) VCF-style: chr11-32421568-C-T.
Other names: c.988G>A, p.Asp330Asn (NM_000378.6, NM_001407045.1, NM_001407048.1 and 1 more transcripts); c.388G>A, p.Asp130Asn (NM_001198551.2); c.337G>A, p.Asp113Asn (NM_001198552.2); c.-150G>A (NM_001367854.1); c.1033G>A, p.Asp345Asn (NM_001407044.1); c.1039G>A, p.Asp347Asn (NM_001407046.1, NM_024424.5); c.916G>A, p.Asp306Asn (NM_001407047.1); c.865G>A, p.Asp289Asn (NM_001407050.1); and 2 more; short protein forms D130N, D113N, D347N, D330N, D345N, D93N, D306N, D289N.
Identifiers: ClinVar variation 78337 (VCV000078337.11), dbSNP rs267602851, ClinGen allele CA219479495.